The following is an entry in ClinVar:

ClinVar aggregate classification (germline): Uncertain significance (1 of 4 stars; one submission).

Submission:

GeneDx
Classification: Uncertain significance. Last evaluated: 2020-01-21. Review status: criteria provided, single submitter. Criteria: GeneDx Variant Classification Process June 2021. Collection method: clinical testing. Allele origin: germline. Affected: yes.
Comment: Not observed in large population cohorts (Lek et al., 2016); In silico analysis, which includes protein predictors and evolutionary conservation, supports that this variant does not alter protein structure/function; Has not been previously published as pathogenic or benign to our knowledge

NM_182961.4(SYNE1):c.23168G>C (p.Ser7723Thr)

Gene: SYNE1 (spectrin repeat containing nuclear envelope protein 1; minus strand). Cytogenetic location: 6q25.2.
Variant type: single nucleotide variant.
Coding change: c.23168G>C on transcript NM_182961.4 (MANE Select); coding-DNA position 23168, G replaced by C.
Protein change: p.Ser7723Thr; replaces serine 7723 with threonine.
Molecular consequence: missense variant.
Genome position (GRCh38, 1-based): chr6:152,189,385, C>G on the plus strand (G>C on the coding strand, the complement: SYNE1 is on the minus strand). VCF-style: chr6-152189385-C-G. GRCh37 (hg19) VCF-style: chr6-152510520-C-G.
Other names: c.22955G>C, p.Ser7652Thr (NM_033071.5); short protein forms S7652T, S7723T.
Identifiers: ClinVar variation 1190632 (VCV001190632.2), dbSNP rs146280967, ClinGen allele CA366094363.
Genomic context (GRCh38, chr6:152,189,385, plus strand): 5'-CTGATATAGGCAGAGAGGGTGTCCTTCAGCAGGCTCAACTGGGTCAAGTCATCTGTCCAG[C>G]TCCCAACTGCATTTTCTAATTCCTAAATAAAAAAACAAACTTGAATACCCACGGACATCT-3'
Protein context (NP_892006.3, residues 7713-7733): RCKELENAVG[Ser7723Thr]WTDDLTQLSL